The following is an entry in ClinVar:

NM_144997.7(FLCN):c.250-3C>G

Gene: FLCN (folliculin; minus strand). Cytogenetic location: 17p11.2.
Variant type: single nucleotide variant.
Coding change: c.250-3C>G on transcript NM_144997.7 (MANE Select); 3 bases into the intron before coding-DNA position 250, C replaced by G.
Molecular consequence: intron variant.
Genome position (GRCh38, 1-based): chr17:17,226,325, G>C on the plus strand (C>G on the coding strand, the complement: FLCN is on the minus strand). VCF-style: chr17-17226325-G-C. GRCh37 (hg19) VCF-style: chr17-17129639-G-C.
Other names: c.250-3C>G (NM_001353231.2, NM_001353230.2, NM_001353229.2 and 1 more transcripts).
Identifiers: ClinVar variation 1407870 (VCV001407870.6), dbSNP rs2145014986, ClinGen allele CA2573153118.

ClinVar aggregate classification (germline): Uncertain significance (1 of 4 stars; one submission).

Conditions:
Birt-Hogg-Dube syndrome. Also called: Birt Hogg Dubé syndrome. Identifiers: Orphanet 122, MedGen C0346010, MONDO:0800444.

Allele frequency attached by ClinVar (database versions not stated): gnomAD exomes below 0.00001.
gnomAD v4.1: 2 of 1,614,194 alleles (0.00012%); highest among the groups gnomAD compares: Non-Finnish European, 0.00017%; no homozygotes.

Submission:

Labcorp Genetics (formerly Invitae), Labcorp
Classification: Uncertain significance for Birt-Hogg-Dube syndrome. Last evaluated: 2022-03-12. Review status: criteria provided, single submitter. Criteria: Invitae Variant Classification Sherloc (09022015). Collection method: clinical testing. Allele origin: germline.
Comment: In summary, the available evidence is currently insufficient to determine the role of this variant in disease. Therefore, it has been classified as a Variant of Uncertain Significance. Variants that disrupt the consensus splice site are a relatively common cause of aberrant splicing (PMID: 17576681, 9536098). Algorithms developed to predict the effect of sequence changes on RNA splicing suggest that this variant may disrupt the consensus splice site. This variant has not been reported in the literature in individuals affected with FLCN-related conditions. This variant is not present in population databases (gnomAD no frequency). This sequence change falls in intron 4 of the FLCN gene. It does not directly change the encoded amino acid sequence of the FLCN protein. It affects a nucleotide within the consensus splice site.

Literature cited by the submitters: PubMed 17576681; PubMed 9536098.